The following is an entry in ClinVar:

NM_006946.4(SPTBN2):c.3235G>C (p.Ala1079Pro)

Gene: SPTBN2 (spectrin beta, non-erythrocytic 2; minus strand). Cytogenetic location: 11q13.2.
Variant type: single nucleotide variant.
Coding change: c.3235G>C on transcript NM_006946.4 (MANE Select); coding-DNA position 3235, G replaced by C.
Protein change: p.Ala1079Pro; replaces alanine 1079 with proline.
Molecular consequence: missense variant.
Genome position (GRCh38, 1-based): chr11:66,700,864, C>G on the plus strand (G>C on the coding strand, the complement: SPTBN2 is on the minus strand). VCF-style: chr11-66700864-C-G. GRCh37 (hg19) VCF-style: chr11-66468335-C-G.
Other names: short protein forms A1079P.
Identifiers: ClinVar variation 1203146 (VCV001203146.3), dbSNP rs1162803458, ClinGen allele CA381475354.

ClinVar aggregate classification (germline): Uncertain significance (1 of 4 stars; one submission).

Allele frequency attached by ClinVar (database versions not stated): gnomAD exomes below 0.00001.
gnomAD v4.1: 6 of 1,600,136 alleles (0.00037%); highest among the groups gnomAD compares: Non-Finnish European, 0.00051%; no homozygotes.

Submission:

GeneDx
Classification: Uncertain significance. Last evaluated: 2020-02-10. Review status: criteria provided, single submitter. Criteria: GeneDx Variant Classification Process June 2021. Collection method: clinical testing. Allele origin: germline. Affected: yes.
Comment: Has not been previously published as pathogenic or benign to our knowledge; Not observed at a significant frequency in large population cohorts (Lek et al., 2016); In silico analysis supports that this missense variant has a deleterious effect on protein structure/function